The following is an entry in ClinVar:

ClinVar aggregate classification (germline): Pathogenic (1 of 4 stars; one submission).

Conditions:
Neuropathy, hereditary motor and sensory, type 6B (HMSN6B). Also called: HMSN VIB; CHARCOT-MARIE-TOOTH DISEASE, TYPE 6B; NEUROPATHY, HEREDITARY MOTOR AND SENSORY, TYPE VIB, WITH OPTIC ATROPHY; Neuropathy, hereditary motor and sensory, type VIB. Identifiers: MedGen C4225302, MONDO:0014671, OMIM 616505.

Submission:

Labcorp Genetics (formerly Invitae), Labcorp
Classification: Pathogenic for Neuropathy, hereditary motor and sensory, type 6B. Last evaluated: 2025-02-24. Review status: criteria provided, single submitter. Criteria: Invitae Variant Classification Sherloc (09022015). Collection method: clinical testing. Allele origin: germline.
Comment: This sequence change affects a donor splice site in intron 4 of the SLC25A46 gene. It is expected to disrupt RNA splicing. Variants that disrupt the donor or acceptor splice site typically lead to a loss of protein function (PMID: 16199547), and loss-of-function variants in SLC25A46 are known to be pathogenic (PMID: 26168012, 26951855, 27543974). This variant is not present in population databases (gnomAD no frequency). Disruption of this splice site has been observed in individual(s) with pontocerebellar hypoplasia (PMID: 28653766). In at least one individual the data is consistent with being in trans (on the opposite chromosome) from a pathogenic variant. It has also been observed to segregate with disease in related individuals. ClinVar contains an entry for this variant (Variation ID: 2762448). Algorithms developed to predict the effect of sequence changes on RNA splicing suggest that this variant may disrupt the consensus splice site. For these reasons, this variant has been classified as Pathogenic.

Literature cited by the submitters: PubMed 16199547; PubMed 26168012; PubMed 26951855; PubMed 27543974; PubMed 28653766.

NM_138773.4(SLC25A46):c.462+2T>C

Gene: SLC25A46 (solute carrier family 25 member 46; plus strand). Cytogenetic location: 5q22.1.
Variant type: single nucleotide variant.
Coding change: c.462+2T>C on transcript NM_138773.4 (MANE Select); the canonical splice donor site of the intron after coding-DNA position 462, T replaced by C.
Molecular consequence: splice donor variant.
Genome position (GRCh38, 1-based): chr5:110,746,348, T>C. VCF-style: chr5-110746348-T-C. GRCh37 (hg19) VCF-style: chr5-110082049-T-C.
Other names: c.189+2T>C (NM_001303250.3); c.462+2T>C (NM_001303249.3).
Identifiers: ClinVar variation 2762448 (VCV002762448.3), dbSNP rs2547522906, ClinGen allele CA360694577.